The following is an entry in ClinVar:

ClinVar aggregate classification (germline): Uncertain significance. Review status: criteria provided, multiple submitters, no conflicts (2 of 4 stars). 3 submissions from 3 submitters: Uncertain significance (3). Last evaluated 2026-02-24.

Conditions:
Primary dilated cardiomyopathy (DCM). Also called: Dilated Cardiomyopathy. Identifiers: Orphanet 217604, MedGen C0007193, MeSH D002311, MONDO:0005021, HP:0001644. Inheritance: Various modes of inheritance.
Hypertrophic cardiomyopathy 11. Also called: ACTC1-Related Familial Hypertrophic Cardiomyopathy. Identifiers: MedGen C2677506, MONDO:0012799, OMIM 612098.
Dilated cardiomyopathy 1R (CMD1R). Identifiers: Orphanet 154, Orphanet 54260, MedGen C3150681, MONDO:0013261, OMIM 613424.
Atrial septal defect 5 (ASD5). Identifiers: Orphanet 1478, MedGen C2748552, MONDO:0013011, OMIM 612794.

Allele frequency attached by ClinVar (database versions not stated): gnomAD exomes below 0.00001; TOPMed below 0.00001.
gnomAD v4.1: 1 of 1,614,098 alleles (0.000062%); highest among the groups gnomAD compares: Non-Finnish European, 0.000085%; no homozygotes.

Submissions (3):

GeneDx
Classification: Uncertain significance. Last evaluated: 2026-02-24. Review status: criteria provided, single submitter. Criteria: GeneDx Variant Classification Process June 2021. Collection method: clinical testing. Allele origin: germline.
Comment: Not observed at significant frequency in large population cohorts (gnomAD); In silico analysis suggests that this missense variant does not alter protein structure/function; Has not been previously published as pathogenic or benign to our knowledge

Clinical Genetics Laboratory, Skane University Hospital Lund
Classification: Uncertain significance for Primary dilated cardiomyopathy. Last evaluated: 2025-07-08. Review status: criteria provided, single submitter. Criteria: ACMG Guidelines, 2015. Collection method: clinical testing. Allele origin: germline. Affected: yes.
Comment: ACMG criteria used: PM2_supporting, PP3

Labcorp Genetics (formerly Invitae), Labcorp
Classification: Uncertain significance for Dilated cardiomyopathy 1R; Hypertrophic cardiomyopathy 11; Atrial septal defect 5. Last evaluated: 2024-10-15. Review status: criteria provided, single submitter. Criteria: Invitae Variant Classification Sherloc (09022015). Collection method: clinical testing. Allele origin: germline.
Comment: This sequence change replaces serine, which is neutral and polar, with cysteine, which is neutral and slightly polar, at codon 370 of the ACTC1 protein (p.Ser370Cys). This variant is not present in population databases (gnomAD no frequency). This variant has not been reported in the literature in individuals affected with ACTC1-related conditions. Invitae Evidence Modeling of protein sequence and biophysical properties (such as structural, functional, and spatial information, amino acid conservation, physicochemical variation, residue mobility, and thermodynamic stability) indicates that this missense variant is not expected to disrupt ACTC1 protein function with a negative predictive value of 80%. In summary, the available evidence is currently insufficient to determine the role of this variant in disease. Therefore, it has been classified as a Variant of Uncertain Significance.

NM_005159.5(ACTC1):c.1109C>G (p.Ser370Cys)

Genes: ACTC1 (actin alpha cardiac muscle 1; minus strand), GJD2-DT (GJD2 divergent transcript; plus strand). Cytogenetic location: 15q14.
Variant type: single nucleotide variant.
Coding change: c.1109C>G on transcript NM_005159.5 (MANE Select); coding-DNA position 1109, C replaced by G.
Protein change: p.Ser370Cys; replaces serine 370 with cysteine.
Molecular consequence: missense variant.
Genome position (GRCh38, 1-based): chr15:34,790,437, G>C on the plus strand (C>G on the coding strand, the complement: ACTC1 is on the minus strand). VCF-style: chr15-34790437-G-C. GRCh37 (hg19) VCF-style: chr15-35082638-G-C.
Other names: c.1109C>G, p.Ser370Cys (NM_001406482.1, NM_001406483.1); c.974C>G, p.Ser325Cys (NM_001406484.1); c.668C>G, p.Ser223Cys (NM_001406485.1); short protein forms S370C, S223C, S325C.
Identifiers: ClinVar variation 2924822 (VCV002924822.5), dbSNP rs1224080351, ClinGen allele CA391628583.